The following is an entry in ClinVar:

NM_001348323.3(TRIP12):c.2090T>A (p.Leu697His)

Gene: TRIP12 (thyroid hormone receptor interactor 12; minus strand). Cytogenetic location: 2q36.3.
Variant type: single nucleotide variant.
Coding change: c.2090T>A on transcript NM_001348323.3 (MANE Select); coding-DNA position 2090, T replaced by A.
Protein change: p.Leu697His; replaces leucine 697 with histidine.
Molecular consequence: missense variant.
Genome position (GRCh38, 1-based): chr2:229,811,011, A>T on the plus strand (T>A on the coding strand, the complement: TRIP12 is on the minus strand). VCF-style: chr2-229811011-A-T. GRCh37 (hg19) VCF-style: chr2-230675727-A-T.
Other names: c.2090T>A, p.Leu697His (NM_001284214.2, NM_001348315.2, NM_001348319.1 and 11 more transcripts); c.1964T>A, p.Leu655His (NM_001284215.2, NM_001348316.2, NM_001348317.1 and 2 more transcripts); c.1055T>A, p.Leu352His (NM_001284216.2); c.2003T>A, p.Leu668His (NM_001348332.1); c.1946T>A, p.Leu649His (NM_004238.3); short protein forms L352H, L649H, L655H, L668H, L697H.
Identifiers: ClinVar variation 3602574 (VCV003602574.1).

ClinVar aggregate classification (germline): Uncertain significance (1 of 4 stars; one submission).

Conditions:
Clark-Baraitser syndrome. Also called: MENTAL RETARDATION, AUTOSOMAL DOMINANT 49; BARAITSER SYNDROME; Mental retardation, tall stature, obesity, macrocephaly and typical facial features; Intellectual disability, autosomal dominant 49. Identifiers: Orphanet 600731, MedGen C2931130, MONDO:0030914, OMIM 617752.

Submission:

Clinical Genomics Laboratory, Washington University in St. Louis
Classification: Uncertain significance for Clark-Baraitser syndrome. Last evaluated: 2023-09-29. Review status: criteria provided, single submitter. Criteria: ACMG Guidelines, 2015. Collection method: clinical testing. Allele origin: germline.
Comment: The TRIP12 c.2090T>A (p.Leu697His) variant, to our knowledge, has not been reported in the medical literature and is absent from the general population (gnomAD v.2.1.1), indicating it is not a common variant. This variant occurs in an armadillo-like helical domain, changes a non-polar leucine to a positively charged histidine, and computational predictors indicate that the variant is damaging, evidence that correlates with impact to TRIP12 function. Due to limited information, and based on ACMG/AMP guidelines for variant interpretation (Richards S et al., PMID: 25741868), the clinical significance of this variant is uncertain at this time.